The following is an entry in ClinVar:

ClinVar aggregate classification (germline): Pathogenic (1 of 4 stars; one submission).

Conditions:
Hereditary cancer-predisposing syndrome. Also called: Neoplastic Syndromes, Hereditary; Tumor predisposition; Hereditary Cancer Syndrome; Hereditary neoplastic syndrome. Identifiers: Orphanet 140162, MedGen C0027672, MeSH D009386, MONDO:0015356.

Submission:

Color Diagnostics, LLC DBA Color Health
Classification: Pathogenic for Hereditary cancer-predisposing syndrome. Last evaluated: 2020-01-15. Review status: criteria provided, single submitter. Criteria: ACMG Guidelines, 2015. Collection method: clinical testing. Allele origin: germline.
Comment: This variant deletes 4 nucleotides in exon 10 of the BRCA2 gene, creating a frameshift and premature translation stop signal. This variant is expected to result in an absent or non-functional protein product. This variant has not been identified in the general population by the Genome Aggregation Database (gnomAD). Loss of BRCA2 function is a known mechanism of disease. Based on the available evidence, this variant is classified as Pathogenic.

NM_000059.4(BRCA2):c.1766_1769del (p.Lys589fs)

Gene: BRCA2 (BRCA2 DNA repair associated; plus strand). Cytogenetic location: 13q13.1.
Variant type: Deletion.
Coding change: c.1766_1769del on transcript NM_000059.4 (MANE Select); coding-DNA positions 1766 to 1769, 4 bases deleted (AGTT; older notation c.1766_1769delAGTT).
Protein change: p.Lys589fs; shifts the reading frame from lysine 589.
Molecular consequence: frameshift variant.
Genome position (GRCh38, 1-based): chr13:32,333,244-32,333,247, AGTT deleted. VCF-style (leftmost placement, unchanged base first): chr13-32333243-AAGTT-A. GRCh37 (hg19) VCF-style: chr13-32907380-AAGTT-A.
Other names: short protein forms K589fs.
Identifiers: ClinVar variation 921163 (VCV000921163.3), dbSNP rs2072421561, ClinGen allele CA913188569.